The following is an entry in ClinVar:

NM_052917.4(GALNT13):c.142+5G>A

Gene: GALNT13 (polypeptide N-acetylgalactosaminyltransferase 13; plus strand). Cytogenetic location: 2q23.3.
Variant type: single nucleotide variant.
Coding change: c.142+5G>A on transcript NM_052917.4 (MANE Select); 5 bases into the intron after coding-DNA position 142, G replaced by A.
Molecular consequence: intron variant.
Genome position (GRCh38, 1-based): chr2:153,944,644, G>A. VCF-style: chr2-153944644-G-A. GRCh37 (hg19) VCF-style: chr2-154801157-G-A.
Other names: c.142+5G>A (NM_001422882.1, NM_001422881.1, NM_001422879.1 and 11 more transcripts); c.-233+5G>A (NM_001422883.1).
Identifiers: ClinVar variation 4885335 (VCV004885335.2).

ClinVar aggregate classification (germline): Uncertain significance (1 of 4 stars; one submission).

gnomAD v4.1: 2 of 1,611,330 alleles (0.00012%); highest among the groups gnomAD compares: Non-Finnish European, 0.00017%; no homozygotes.

Submission:

Dasa
Classification: Uncertain significance. Last evaluated: 2026-02-25. Review status: criteria provided, single submitter. Criteria: DASA Assertion Criteria. Collection method: clinical testing. Allele origin: germline.
Comment: NM_052917.4(GALNT13):c.142+5G>A is a splice-region variant predicted to affect normal RNA splicing. This variant is rare in population databases. Computational prediction algorithms are consistent with a deleterious effect. The currently available literature and clinical evidence are not sufficient to establish a definitive association between this variant and the reported condition. Therefore, this variant is classified as a variant of uncertain significance.